The following is an entry in ClinVar:

ClinVar aggregate classification (germline): Uncertain significance (1 of 4 stars; one submission).

Conditions:
Congenital contractures of the limbs and face, hypotonia, and developmental delay (CLIFAHDD). Identifiers: Orphanet 562528, MedGen C4225398, MONDO:0014556, OMIM 616266.

Submission:

Institute of Human Genetics, University of Leipzig Medical Center
Classification: Uncertain significance for Congenital contractures of the limbs and face, hypotonia, and developmental delay. Last evaluated: 2022-03-03. Review status: criteria provided, single submitter. Criteria: ACMG Guidelines, 2015. Collection method: clinical testing. Allele origin: unknown. Affected: yes.
Comment: _x000D_ Criteria applied: PM1, PM2_SUP, PP3

NM_052867.4(NALCN):c.3238A>G (p.Lys1080Glu)

Gene: NALCN (sodium leak channel, non-selective; minus strand). Cytogenetic location: 13q32.3.
Variant type: single nucleotide variant.
Coding change: c.3238A>G on transcript NM_052867.4 (MANE Select); coding-DNA position 3238, A replaced by G.
Protein change: p.Lys1080Glu; replaces lysine 1080 with glutamic acid.
Molecular consequence: missense variant.
Genome position (GRCh38, 1-based): chr13:101,095,605, T>C on the plus strand (A>G on the coding strand, the complement: NALCN is on the minus strand). VCF-style: chr13-101095605-T-C. GRCh37 (hg19) VCF-style: chr13-101747956-T-C.
Other names: c.3238A>G, p.Lys1080Glu (NM_001350749.2); c.3151A>G, p.Lys1051Glu (NM_001350750.2, NM_001350751.2); c.3325A>G, p.Lys1109Glu (NM_001350748.2); short protein forms K1051E, K1080E, K1109E.
Identifiers: ClinVar variation 1679118 (VCV001679118.1), dbSNP rs950773096, ClinGen allele CA255416174.
Genomic context (GRCh38, chr13:101,095,605, plus strand): 5'-TTCAGAATATTTTTTTATGATATACTTACCAAACACGGGGCACCCAAAATCCAGGTTTTT[T>C]CTCTCCAGGCCTCAATTTTAAATTTAAGTTCTTTGACACACTGACATTAATTCTGAATAT-3'
Protein context (NP_443099.1, residues 1070-1090): NLNLKLRPGE[Lys1080Glu]KPGFWVPRVW